The following is an entry in ClinVar:

NM_000463.3(UGT1A1):c.38T>C (p.Leu13Pro)

Genes: UGT1A (UDP glucuronosyltransferase family 1 member A complex locus; plus strand), UGT1A1 (UDP glucuronosyltransferase family 1 member A1; plus strand), UGT1A10 (UDP glucuronosyltransferase family 1 member A10; plus strand), UGT1A3 (UDP glucuronosyltransferase family 1 member A3; plus strand), UGT1A4 (UDP glucuronosyltransferase family 1 member A4; plus strand) and 5 more. Cytogenetic location: 2q37.1.
Variant type: single nucleotide variant.
Coding change: c.38T>C on transcript NM_000463.3 (MANE Select); coding-DNA position 38, T replaced by C.
Protein change: p.Leu13Pro; replaces leucine 13 with proline.
Molecular consequence: missense variant. On other transcripts: intron variant (9).
Genome position (GRCh38, 1-based): chr2:233,760,325, T>C. VCF-style: chr2-233760325-T-C. GRCh37 (hg19) VCF-style: chr2-234668971-T-C.
Other names: c.856-6709T>C (NM_019076.5, NM_019075.4, NM_021027.3 and 1 more transcripts); c.61-6709T>C (NM_205862.3); c.862-6709T>C (NM_001072.4); c.868-6709T>C (NM_019078.2, NM_007120.3, NM_019093.4); short protein forms L13P.
Identifiers: ClinVar variation 5002639 (VCV005002639.1).

ClinVar aggregate classification (germline): Uncertain significance (1 of 4 stars; one submission).

Conditions:
UGT1A1-related disorder. Also called: UGT1A1-related condition; UGT1A1-related disorders.

Submission:

PreventionGenetics, part of Exact Sciences
Classification: Uncertain significance for UGT1A1-related condition. Last evaluated: 2024-12-20. Review status: criteria provided, single submitter. Criteria: ACMG Guidelines, 2015. Collection method: clinical testing. Allele origin: germline.
Comment: The UGT1A1 c.38T>C variant is predicted to result in the amino acid substitution p.Leu13Pro. To our knowledge, this variant has not been reported in the literature or in a large population database (gnomAD), indicating this variant is rare. At this time, the clinical significance of this variant is uncertain due to the absence of conclusive functional and genetic evidence.